The following is an entry in ClinVar:

ClinVar aggregate classification (germline): Uncertain significance (1 of 4 stars; one submission).

Conditions:
Spastic paraplegia. Identifiers: MedGen C0037772, HP:0001258.

Allele frequency attached by ClinVar (database versions not stated): gnomAD exomes below 0.00001; ExAC 0.00001.
gnomAD v4.1: 2 of 1,211,352 alleles (0.00017%); highest among the groups gnomAD compares: South Asian, 0.0035%; no homozygotes.

Submission:

Labcorp Genetics (formerly Invitae), Labcorp
Classification: Uncertain significance for Spastic paraplegia. Last evaluated: 2023-03-08. Review status: criteria provided, single submitter. Criteria: Invitae Variant Classification Sherloc (09022015). Collection method: clinical testing. Allele origin: germline.
Comment: In summary, the available evidence is currently insufficient to determine the role of this variant in disease. Therefore, it has been classified as a Variant of Uncertain Significance. Advanced modeling of protein sequence and biophysical properties (such as structural, functional, and spatial information, amino acid conservation, physicochemical variation, residue mobility, and thermodynamic stability) performed at Invitae indicates that this missense variant is expected to disrupt SLC16A2 protein function. This variant has not been reported in the literature in individuals affected with SLC16A2-related conditions. The frequency data for this variant in the population databases is considered unreliable, as metrics indicate poor data quality at this position in the gnomAD database. This sequence change replaces valine, which is neutral and non-polar, with alanine, which is neutral and non-polar, at codon 315 of the SLC16A2 protein (p.Val315Ala).

NM_006517.5(SLC16A2):c.944T>C (p.Val315Ala)

Gene: SLC16A2 (solute carrier family 16 member 2; plus strand). Cytogenetic location: Xq13.2.
Variant type: single nucleotide variant.
Coding change: c.944T>C on transcript NM_006517.5 (MANE Select); coding-DNA position 944, T replaced by C.
Protein change: p.Val315Ala; replaces valine 315 with alanine.
Molecular consequence: missense variant.
Genome position (GRCh38, 1-based): chrX:74,524,727, T>C. VCF-style: chrX-74524727-T-C. GRCh37 (hg19) VCF-style: chrX-73744562-T-C.
Other names: short protein forms V315A.
Identifiers: ClinVar variation 2812814 (VCV002812814.3), dbSNP rs754407281, ClinGen allele CA10454475.